The following is an entry in ClinVar:

ClinVar aggregate classification (germline): Uncertain significance (1 of 4 stars; one submission).

Conditions:
Early-infantile DEE. Also called: Early infantile epileptic encephalopathy with suppression bursts; Early infantile epileptic encephalopathy; Ohtahara syndrome. Identifiers: Orphanet 1934, MedGen C0393706, MONDO:0800491.

Submission:

Labcorp Genetics (formerly Invitae), Labcorp
Classification: Uncertain significance for Early-infantile DEE. Last evaluated: 2024-01-04. Review status: criteria provided, single submitter. Criteria: Invitae Variant Classification Sherloc (09022015). Collection method: clinical testing. Allele origin: germline.
Comment: This sequence change replaces lysine, which is basic and polar, with asparagine, which is neutral and polar, at codon 537 of the KCNQ2 protein (p.Lys537Asn). This variant is not present in population databases (gnomAD no frequency). This variant has not been reported in the literature in individuals affected with KCNQ2-related conditions. An algorithm developed to predict the effect of missense changes on protein structure and function (PolyPhen-2) suggests that this variant is likely to be disruptive. In summary, the available evidence is currently insufficient to determine the role of this variant in disease. Therefore, it has been classified as a Variant of Uncertain Significance.

NM_172107.4(KCNQ2):c.1611A>T (p.Lys537Asn)

Gene: KCNQ2 (potassium voltage-gated channel subfamily Q member 2; minus strand). Cytogenetic location: 20q13.33.
Variant type: single nucleotide variant.
Coding change: c.1611A>T on transcript NM_172107.4 (MANE Select); coding-DNA position 1611, A replaced by T.
Protein change: p.Lys537Asn; replaces lysine 537 with asparagine.
Molecular consequence: missense variant.
Genome position (GRCh38, 1-based): chr20:63,414,108, T>A on the plus strand (A>T on the coding strand, the complement: KCNQ2 is on the minus strand). VCF-style: chr20-63414108-T-A. GRCh37 (hg19) VCF-style: chr20-62045461-T-A.
Other names: c.1557A>T, p.Lys519Asn (NM_172106.3, NM_001382235.1); c.1518A>T, p.Lys506Asn (NM_172108.5); c.1527A>T, p.Lys509Asn (NM_004518.6); short protein forms K509N, K537N, K506N, K519N.
Identifiers: ClinVar variation 2707577 (VCV002707577.3), dbSNP rs2516175875, ClinGen allele CA409645203.